The following is an entry in ClinVar:

NM_001046.3(SLC12A2):c.614C>T (p.Thr205Ile)

Gene: SLC12A2 (solute carrier family 12 member 2; plus strand). Cytogenetic location: 5q23.3.
Variant type: single nucleotide variant.
Coding change: c.614C>T on transcript NM_001046.3 (MANE Select); coding-DNA position 614, C replaced by T.
Protein change: p.Thr205Ile; replaces threonine 205 with isoleucine.
Molecular consequence: missense variant. On other transcripts: non-coding transcript variant (1).
Genome position (GRCh38, 1-based): chr5:128,084,568, C>T. VCF-style: chr5-128084568-C-T. GRCh37 (hg19) VCF-style: chr5-127420260-C-T.
Other names: p.Thr205Ile; c.614C>T (NM_001046.2); c.614C>T, p.Thr205Ile (NM_001256461.2); short protein forms T205I.
Identifiers: ClinVar variation 1620833 (VCV001620833.10), dbSNP rs201256664, ClinGen allele CA3392856.

ClinVar aggregate classification (germline): Conflicting classifications of pathogenicity. Review status: criteria provided, conflicting classifications (1 of 4 stars). 3 submissions from 3 submitters: Uncertain significance (2); Likely benign (1). Last evaluated 2025-11-28.

Conditions:
Inborn genetic diseases. Identifiers: MedGen C0950123, MeSH D030342.

Allele frequency attached by ClinVar (database versions not stated): gnomAD 0.00001; ExAC 0.00003; gnomAD exomes 0.00003 and 0.00007; TOPMed 0.00012.
gnomAD v4.1: 20 of 1,613,624 alleles (0.0012%); highest among the groups gnomAD compares: Admixed American, 0.03%; no homozygotes.

Submissions (3):

Labcorp Genetics (formerly Invitae), Labcorp
Classification: Likely benign. Last evaluated: 2025-11-28. Review status: criteria provided, single submitter. Criteria: Invitae Variant Classification Sherloc (09022015). Collection method: clinical testing. Allele origin: germline.

Ambry Genetics
Classification: Uncertain significance for Inborn genetic diseases. Last evaluated: 2025-05-07. Review status: criteria provided, single submitter. Criteria: Ambry Variant Classification Scheme 2023. Collection method: clinical testing. Allele origin: germline.

Mayo Clinic Laboratories, Mayo Clinic
Classification: Uncertain significance. Last evaluated: 2024-11-06. Review status: criteria provided, single submitter. Criteria: ACMG Guidelines, 2015. Collection method: clinical testing. Allele origin: germline. Observed: 1 variant allele.
Comment: PM2_supporting